The following is an entry in ClinVar:

NM_014822.4(SEC24D):c.1888T>A (p.Cys630Ser)

Gene: SEC24D (SEC24 homolog D, COPII coat complex component; minus strand). Cytogenetic location: 4q26.
Variant type: single nucleotide variant.
Coding change: c.1888T>A on transcript NM_014822.4 (MANE Select); coding-DNA position 1888, T replaced by A.
Protein change: p.Cys630Ser; replaces cysteine 630 with serine.
Molecular consequence: missense variant.
Genome position (GRCh38, 1-based): chr4:118,744,095, A>T on the plus strand (T>A on the coding strand, the complement: SEC24D is on the minus strand). VCF-style: chr4-118744095-A-T. GRCh37 (hg19) VCF-style: chr4-119665250-A-T.
Other names: c.1891T>A, p.Cys631Ser (NM_001318066.2); c.1888T>A (NM_014822.3); short protein forms C631S, C630S.
Identifiers: ClinVar variation 3317143 (VCV003317143.2).
Genomic context (GRCh38, chr4:118,744,095, plus strand): 5'-CCAGCCCCAGCGAGGCCACGTCCACATACTGACTAGGAAAGAGGAAGAGTGTCACAGAGC[A>T]GCCGTGAGCCACGCAGTCCTTGGCCAATGAGTCATAGACATTTGTTTGGGGCTGGAAAAG-3'
Protein context (NP_055637.2, residues 620-640): SLAKDCVAHG[Cys630Ser]SVTLFLFPSQ

ClinVar aggregate classification (germline): Uncertain significance. Review status: criteria provided, multiple submitters, no conflicts (2 of 4 stars). 2 submissions from 2 submitters: Uncertain significance (2). Last evaluated 2024-10-09.

Conditions:
Inborn genetic diseases. Identifiers: MedGen C0950123, MeSH D030342.

gnomAD v4.1: 5 of 1,613,612 alleles (0.00031%); highest among the groups gnomAD compares: African/African-American, 0.0067%; no homozygotes.

Submissions (2):

GeneDx
Classification: Uncertain significance. Last evaluated: 2024-10-09. Review status: criteria provided, single submitter. Criteria: GeneDx Variant Classification Process June 2021. Collection method: clinical testing. Allele origin: germline. Affected: yes.
Comment: In silico analysis supports that this missense variant has a deleterious effect on protein structure/function; Has not been previously published as pathogenic or benign to our knowledge

Ambry Genetics
Classification: Uncertain significance for Inborn genetic diseases. Last evaluated: 2024-04-04. Review status: criteria provided, single submitter. Criteria: Ambry Variant Classification Scheme 2023. Collection method: clinical testing. Allele origin: germline.